The following is an entry in ClinVar:

NM_000718.4(CACNA1B):c.5456C>T (p.Ala1819Val)

Gene: CACNA1B (calcium voltage-gated channel subunit alpha1 B; plus strand). Cytogenetic location: 9q34.3.
Variant type: single nucleotide variant.
Coding change: c.5456C>T on transcript NM_000718.4 (MANE Select); coding-DNA position 5456, C replaced by T.
Protein change: p.Ala1819Val; replaces alanine 1819 with valine.
Molecular consequence: missense variant.
Genome position (GRCh38, 1-based): chr9:138,112,425, C>T. VCF-style: chr9-138112425-C-T. GRCh37 (hg19) VCF-style: chr9-141006877-C-T.
Other names: c.5456C>T, p.Ala1819Val (NM_001243812.2); short protein forms A1819V.
Identifiers: ClinVar variation 2174069 (VCV002174069.1), dbSNP rs200917554, ClinGen allele CA5377378.

ClinVar aggregate classification (germline): Uncertain significance (1 of 4 stars; one submission).

Allele frequency attached by ClinVar (database versions not stated): ExAC 0.00004; gnomAD 0.00004; TOPMed 0.00007.
gnomAD v4.1: 58 of 1,613,432 alleles (0.0036%); highest among the groups gnomAD compares: Admixed American, 0.01%; no homozygotes.

Submission:

Labcorp Genetics (formerly Invitae), Labcorp
Classification: Uncertain significance. Last evaluated: 2022-07-12. Review status: criteria provided, single submitter. Criteria: Invitae Variant Classification Sherloc (09022015). Collection method: clinical testing. Allele origin: germline.
Comment: This sequence change replaces alanine, which is neutral and non-polar, with valine, which is neutral and non-polar, at codon 1819 of the CACNA1B protein (p.Ala1819Val). This variant is present in population databases (rs200917554, gnomAD 0.01%). This variant has not been reported in the literature in individuals affected with CACNA1B-related conditions. Advanced modeling of protein sequence and biophysical properties (such as structural, functional, and spatial information, amino acid conservation, physicochemical variation, residue mobility, and thermodynamic stability) performed at Invitae indicates that this missense variant is not expected to disrupt CACNA1B protein function. In summary, the available evidence is currently insufficient to determine the role of this variant in disease. Therefore, it has been classified as a Variant of Uncertain Significance.